The following is an entry in ClinVar:

NM_001144967.3(NEDD4L):c.376T>C (p.Tyr126His)

Gene: NEDD4L (NEDD4 like E3 ubiquitin protein ligase; plus strand). Cytogenetic location: 18q21.31.
Variant type: single nucleotide variant.
Coding change: c.376T>C on transcript NM_001144967.3 (MANE Select); coding-DNA position 376, T replaced by C.
Protein change: p.Tyr126His; replaces tyrosine 126 with histidine.
Molecular consequence: missense variant.
Genome position (GRCh38, 1-based): chr18:58,322,452, T>C. VCF-style: chr18-58322452-T-C. GRCh37 (hg19) VCF-style: chr18-55989684-T-C.
Other names: c.13T>C, p.Tyr5His (NM_001144964.1, NM_001144965.2, NM_001144966.3 and 2 more transcripts); c.352T>C, p.Tyr118His (NM_001144968.2, NM_001144969.2); c.376T>C, p.Tyr126His (NM_001243960.2, NM_015277.6); short protein forms Y126H, Y5H, Y118H.
Identifiers: ClinVar variation 2801563 (VCV002801563.3), dbSNP rs2516009149, ClinGen allele CA402551266.

ClinVar aggregate classification (germline): Uncertain significance (1 of 4 stars; one submission).

Submission:

Labcorp Genetics (formerly Invitae), Labcorp
Classification: Uncertain significance. Last evaluated: 2022-10-20. Review status: criteria provided, single submitter. Criteria: Invitae Variant Classification Sherloc (09022015). Collection method: clinical testing. Allele origin: germline.
Comment: This sequence change replaces tyrosine, which is neutral and polar, with histidine, which is basic and polar, at codon 126 of the NEDD4L protein (p.Tyr126His). This variant is not present in population databases (gnomAD no frequency). In summary, the available evidence is currently insufficient to determine the role of this variant in disease. Therefore, it has been classified as a Variant of Uncertain Significance. Algorithms developed to predict the effect of missense changes on protein structure and function (SIFT, PolyPhen-2, Align-GVGD) all suggest that this variant is likely to be tolerated. This variant has not been reported in the literature in individuals affected with NEDD4L-related conditions.